The following is an entry in ClinVar:

ClinVar aggregate classification (germline): Uncertain significance. Review status: criteria provided, multiple submitters, no conflicts (2 of 4 stars). 2 submissions from 2 submitters: Uncertain significance (2). Last evaluated 2024-03-07.

Conditions:
Inborn genetic diseases. Identifiers: MedGen C0950123, MeSH D030342.

Allele frequency attached by ClinVar (database versions not stated): gnomAD exomes below 0.00001; TOPMed 0.00002; gnomAD 0.00003.
gnomAD v4.1: 5 of 1,613,858 alleles (0.00031%); highest among the groups gnomAD compares: Non-Finnish European, 0.00042%; no homozygotes.

Submissions (2):

Ambry Genetics
Classification: Uncertain significance for Inborn genetic diseases. Last evaluated: 2024-03-07. Review status: criteria provided, single submitter. Criteria: Ambry Variant Classification Scheme 2023. Collection method: clinical testing. Allele origin: germline.

Labcorp Genetics (formerly Invitae), Labcorp
Classification: Uncertain significance. Last evaluated: 2022-06-13. Review status: criteria provided, single submitter. Criteria: Invitae Variant Classification Sherloc (09022015). Collection method: clinical testing. Allele origin: germline.
Comment: This sequence change replaces leucine with proline at codon 1227 of the TRAPPC9 protein (p.Leu1227Pro). The leucine residue is moderately conserved and there is a moderate physicochemical difference between leucine and proline. This variant is present in population databases (no rsID available, gnomAD 0.0009%). This variant has not been reported in the literature in individuals affected with TRAPPC9-related conditions. Algorithms developed to predict the effect of missense changes on protein structure and function are either unavailable or do not agree on the potential impact of this missense change (SIFT: "Not Available"; PolyPhen-2: "Probably Damaging"; Align-GVGD: "Not Available"). In summary, the available evidence is currently insufficient to determine the role of this variant in disease. Therefore, it has been classified as a Variant of Uncertain Significance.

NM_001160372.4(TRAPPC9):c.3386T>C (p.Leu1129Pro)

Gene: TRAPPC9 (trafficking protein particle complex subunit 9; minus strand). Cytogenetic location: 8q24.3.
Variant type: single nucleotide variant.
Coding change: c.3386T>C on transcript NM_001160372.4 (MANE Select); coding-DNA position 3386, T replaced by C.
Protein change: p.Leu1129Pro; replaces leucine 1129 with proline.
Molecular consequence: missense variant. On other transcripts: non-coding transcript variant (1).
Genome position (GRCh38, 1-based): chr8:139,731,122, A>G on the plus strand (T>C on the coding strand, the complement: TRAPPC9 is on the minus strand). VCF-style: chr8-139731122-A-G. GRCh37 (hg19) VCF-style: chr8-140743365-A-G.
Other names: c.3680T>C (NM_031466.5); c.3359T>C, p.Leu1120Pro (NM_001321646.2); c.3407T>C, p.Leu1136Pro (NM_001374682.1); c.3275T>C, p.Leu1092Pro (NM_001374683.1); c.3242T>C, p.Leu1081Pro (NM_001374684.1); c.3386T>C, p.Leu1129Pro (NM_031466.8); short protein forms L1092P, L1120P, L1136P, L1081P, L1129P.
Identifiers: ClinVar variation 1438414 (VCV001438414.6), dbSNP rs1266784959, ClinGen allele CA372732419.